The following is an entry in ClinVar:

NM_001346754.2(PIGW):c.796C>T (p.Leu266Phe)

Genes: MYO19 (myosin XIX; minus strand), PIGW (phosphatidylinositol glycan anchor biosynthesis class W; plus strand). Cytogenetic location: 17q12.
Variant type: single nucleotide variant.
Coding change: c.796C>T on transcript NM_001346754.2 (MANE Select); coding-DNA position 796, C replaced by T.
Protein change: p.Leu266Phe; replaces leucine 266 with phenylalanine.
Molecular consequence: missense variant.
Genome position (GRCh38, 1-based): chr17:36,537,897, C>T. VCF-style: chr17-36537897-C-T. GRCh37 (hg19) VCF-style: chr17-34893746-C-T.
Other names: c.796C>T, p.Leu266Phe (NM_001346755.2, NM_178517.5); c.796C>T (NM_178517.3); short protein forms L266F.
Identifiers: ClinVar variation 1477329 (VCV001477329.6), dbSNP rs189401029, ClinGen allele CA290116267.
Genomic context (GRCh38, chr17:36,537,897, plus strand): 5'-AAATTGATAACACCACTGCTGTTGATTATTTTTCCCCTAAATAAGTCCTGGATTATTGCC[C>T]TCGGCATTACTGTATTATACCAGCTAGCCCTTGACTTTACCTCACTGAAGAGGTTAATAT-3'
Protein context (NP_001333683.1, residues 256-276): FPLNKSWIIA[Leu266Phe]GITVLYQLAL

ClinVar aggregate classification (germline): Uncertain significance. Review status: criteria provided, multiple submitters, no conflicts (2 of 4 stars). 2 submissions from 2 submitters: Uncertain significance (2). Last evaluated 2025-06-19.

Conditions:
Inborn genetic diseases. Identifiers: MedGen C0950123, MeSH D030342.
Hyperphosphatasia with intellectual disability syndrome 5 (GPIBD11). Also called: GLYCOSYLPHOSPHATIDYLINOSITOL BIOSYNTHESIS DEFECT 11. Identifiers: Orphanet 247262, MedGen C4014958, MONDO:0014457, OMIM 616025.

Allele frequency attached by ClinVar (database versions not stated): gnomAD 0.00002 and 0.00003; TOPMed 0.00003; gnomAD exomes 0.00004; ExAC 0.00006; ESP Exome Variant Server 0.00008; 1000 Genomes Project 30x 0.00016; 1000 Genomes Project 0.00020.
gnomAD v4.1: 76 of 1,613,968 alleles (0.0047%); highest among the groups gnomAD compares: Non-Finnish European, 0.006%; no homozygotes.

Submissions (2):

Ambry Genetics
Classification: Uncertain significance for Inborn genetic diseases. Last evaluated: 2025-06-19. Review status: criteria provided, single submitter. Criteria: Ambry Variant Classification Scheme 2023. Collection method: clinical testing. Allele origin: germline.

Labcorp Genetics (formerly Invitae), Labcorp
Classification: Uncertain significance for Hyperphosphatasia with intellectual disability syndrome 5. Last evaluated: 2021-08-24. Review status: criteria provided, single submitter. Criteria: Invitae Variant Classification Sherloc (09022015). Collection method: clinical testing. Allele origin: germline.
Comment: This sequence change replaces leucine with phenylalanine at codon 266 of the PIGW protein (p.Leu266Phe). The leucine residue is weakly conserved and there is a small physicochemical difference between leucine and phenylalanine. This variant is present in population databases (rs189401029, ExAC 0.01%). This variant has not been reported in the literature in individuals affected with PIGW-related conditions. Algorithms developed to predict the effect of missense changes on protein structure and function are either unavailable or do not agree on the potential impact of this missense change (SIFT: "Deleterious"; PolyPhen-2: "Benign"; Align-GVGD: "Class C0"). In summary, the available evidence is currently insufficient to determine the role of this variant in disease. Therefore, it has been classified as a Variant of Uncertain Significance.